The following is an entry in ClinVar:

NC_000007.13:g.(50344519_50358643)_(50472800_?)del

Gene: IKZF1 (IKAROS family zinc finger 1; plus strand). Cytogenetic location: 7p12.2.
Variant type: Deletion.
Identifiers: ClinVar variation 4847634 (VCV004847634.1).

ClinVar aggregate classification (germline): Uncertain significance (1 of 4 stars; one submission).

Submission:

Women's Health and Genetics/Laboratory Corporation of America, LabCorp
Classification: Uncertain significance. Last evaluated: 2026-03-27. Review status: criteria provided, single submitter. Criteria: LabCorp Variant Classification Summary - May 2015. Collection method: clinical testing. Allele origin: germline.
Comment: Variant summary: The variant involves the deletion of exons 2-8 in the IKZF1 gene. A presumed nomenclature of c.(-15+1_-14-1)_(*4475_?)del has been designated for the purposes of this classification. This deletion includes the entire coding sequence of the gene. As the exact proximal and distal breakpoints are unknown, it may extend beyond the annotated region of the gene to include other flanking genes. The exact breakpoint at the 5' end of this variant is unknown, therefore this deletion may extend upstream of the annotated region of this gene. Although the exact breakpoints of this deletion are not known, it is predicted to remove the initiation codon and result in an absence of protein or a truncation of the encoded protein due to translation initiation at a downstream site. Current evidence is not sufficient to establish loss of function as a mechanism for disease. The variant was absent in 21694 control chromosomes (gnomAD SV). The available data on variant occurrences in the general population are insufficient to allow any conclusion about variant significance. To our knowledge, no occurrence of c.(-15+1_-14-1)_(*4475_?)del in individuals affected with IKZF1-related conditions and no experimental evidence demonstrating its impact on protein function have been reported. No submitters have cited clinical-significance assessments for this variant to ClinVar. Based on the evidence outlined above, the variant was classified as uncertain significance.